The following is an entry in ClinVar:

ClinVar aggregate classification (germline): Uncertain significance (1 of 4 stars; one submission).

Conditions:
Hereditary pancreatitis (PCTT). Also called: Hereditary chronic pancreatitis; PRSS1-Related Hereditary Pancreatitis. Identifiers: Orphanet 676, MedGen C0238339, MONDO:0008185, OMIM 167800.

Submission:

Ambry Genetics
Classification: Uncertain significance for Hereditary pancreatitis. Last evaluated: 2025-07-25. Review status: criteria provided, single submitter. Criteria: Ambry Variant Classification Scheme 2023. Collection method: clinical testing. Allele origin: germline.
Comment: The p.W367G variant (also known as c.1099T>G), located in coding exon 10 of the CPA1 gene, results from a T to G substitution at nucleotide position 1099. The tryptophan at codon 367 is replaced by glycine, an amino acid with highly dissimilar properties. This amino acid position is conserved. In addition, this alteration is predicted to be deleterious by in silico analysis. Based on the available evidence, the clinical significance of this variant remains unclear.

NM_001868.4(CPA1):c.1099T>G (p.Trp367Gly)

Gene: CPA1 (carboxypeptidase A1; plus strand). Cytogenetic location: 7q32.2.
Variant type: single nucleotide variant.
Coding change: c.1099T>G on transcript NM_001868.4 (MANE Select); coding-DNA position 1099, T replaced by G.
Protein change: p.Trp367Gly; replaces tryptophan 367 with glycine.
Molecular consequence: missense variant.
Genome position (GRCh38, 1-based): chr7:130,387,850, T>G. VCF-style: chr7-130387850-T-G. GRCh37 (hg19) VCF-style: chr7-130027691-T-G.
Other names: short protein forms W367G.
Identifiers: ClinVar variation 4233096 (VCV004233096.1).
Genomic context (GRCh38, chr7:130,387,850, plus strand): 5'-TGACCCTTTCTCTCCTATTTTACTCCTGCCCCAGATCAAGCCAGTGGAAGCACTATTGAC[T>G]GGACCTACAGCCAGGGCATCAAGTACTCCTTCACCTTCGAGCTCCGGGACACTGGGCGCT-3'
Protein context (NP_001859.1, residues 357-377): IYQASGSTID[Trp367Gly]TYSQGIKYSF